The following is an entry in ClinVar:

NM_004629.2(FANCG):c.-93C>G

Gene: FANCG (FA complementation group G; minus strand). Cytogenetic location: 9p13.3.
Variant type: single nucleotide variant.
Coding change: c.-93C>G on transcript NM_004629.2 (MANE Select); 93 bases upstream of the start codon, C replaced by G.
Molecular consequence: 5 prime UTR variant.
Genome position (GRCh38, 1-based): chr9:35,079,617, G>C on the plus strand (C>G on the coding strand, the complement: FANCG is on the minus strand). VCF-style: chr9-35079617-G-C. GRCh37 (hg19) VCF-style: chr9-35079614-G-C.
Identifiers: ClinVar variation 366738 (VCV000366738.5), dbSNP rs532840867, ClinGen allele CA10627292.
Genomic context (GRCh38, chr9:35,079,617, plus strand): 5'-GGACTTAGGAAGGGTGAAGCTGGCCTGCCCAAGCTCCCAACCCCAGCGGGGAGGGGCCTG[G>C]GCACTTCTGCACCCCGCCGAGCTCCCCTGCTTCTCTCGGGGTCCCAATCCACCCGCCCAG-3'

ClinVar aggregate classification (germline): Likely benign (1 of 4 stars; one submission).

Conditions:
Fanconi anemia complementation group G. Also called: Fanconi anemia group G; FANCG-Related Fanconi Anemia. Identifiers: Orphanet 84, MedGen C3469527, MONDO:0013565, OMIM 614082.

Allele frequency attached by ClinVar (database versions not stated): gnomAD 0.00004 and 0.00060; TOPMed 0.00015; gnomAD exomes 0.00101; 1000 Genomes Project 30x 0.00359; 1000 Genomes Project 0.00399.
gnomAD v4.1: 1,252 of 1,305,804 alleles (0.096%); highest among the groups gnomAD compares: South Asian, 1.4%; 13 homozygotes.

Submission:

Illumina Laboratory Services, Illumina
Classification: Likely benign for Fanconi anemia complementation group G. Last evaluated: 2018-01-12. Review status: criteria provided, single submitter. Criteria: ICSL Variant Classification Criteria 13 December 2019. Collection method: clinical testing. Allele origin: germline.
Comment: This variant was observed in the ICSL laboratory as part of a predisposition screen in an ostensibly healthy population. It had not been previously curated by ICSL or reported in the Human Gene Mutation Database (HGMD: prior to June 1st, 2018), and was therefore a candidate for classification through an automated scoring system. Utilizing variant allele frequency, disease prevalence and penetrance estimates, and inheritance mode, an automated score was calculated to assess if this variant is too frequent to cause the disease. Based on the score and internal cut-off values, a variant classified as likely benign is not then subjected to further curation. The score for this variant resulted in a classification of likely benign for this disease.